The following is an entry in ClinVar:

NM_006005.3(WFS1):c.376G>A (p.Ala126Thr)

Gene: WFS1 (wolframin ER transmembrane glycoprotein; plus strand). Cytogenetic location: 4p16.1.
Variant type: single nucleotide variant.
Coding change: c.376G>A on transcript NM_006005.3 (MANE Select); coding-DNA position 376, G replaced by A.
Protein change: p.Ala126Thr; replaces alanine 126 with threonine.
Molecular consequence: missense variant.
Genome position (GRCh38, 1-based): chr4:6,289,047, G>A. VCF-style: chr4-6289047-G-A. GRCh37 (hg19) VCF-style: chr4-6290774-G-A.
Other names: c.376G>A, p.Ala126Thr (NM_001145853.1); short protein forms A126T.
Identifiers: ClinVar variation 372583 (VCV000372583.20), dbSNP rs145639028, ClinGen allele CA2838877.

ClinVar aggregate classification (germline): Pathogenic/Likely pathogenic. Review status: criteria provided, multiple submitters, no conflicts (2 of 4 stars). 7 submissions from 7 submitters: Pathogenic (5); Likely pathogenic (2). Last evaluated 2026-01-19.

Conditions:
WFS1-related disorder. Identifiers: MedGen CN379391, MONDO:0700293.
Optic atrophy. Identifiers: MedGen C0029124, MONDO:0003608, HP:0000648.
Wolfram syndrome 1 (WFS1). Identifiers: Orphanet 3463, MedGen C4551693, MONDO:0009101, OMIM 222300.

Allele frequency attached by ClinVar (database versions not stated): gnomAD 0.00001; gnomAD exomes 0.00002; TOPMed 0.00003; ExAC 0.00004; ESP Exome Variant Server 0.00023.
gnomAD v4.1: 29 of 1,604,492 alleles (0.0018%); highest among the groups gnomAD compares: Non-Finnish European, 0.0021%; no homozygotes.

Submissions (7):

Labcorp Genetics (formerly Invitae), Labcorp
Classification: Pathogenic. Last evaluated: 2026-01-19. Review status: criteria provided, single submitter. Criteria: Invitae Variant Classification Sherloc (09022015). Collection method: clinical testing. Allele origin: germline.
Comment: This sequence change replaces alanine, which is neutral and non-polar, with threonine, which is neutral and polar, at codon 126 of the WFS1 protein (p.Ala126Thr). The frequency data for this variant in the population databases is considered unreliable, as metrics indicate poor data quality at this position in the gnomAD database. This missense change has been observed in individuals with Wolfram syndrome (PMID: 23981289, 26773575, 30957632, 31600780). It has also been observed to segregate with disease in related individuals. ClinVar contains an entry for this variant (Variation ID: 372583). Invitae Evidence Modeling of protein sequence and biophysical properties (such as structural, functional, and spatial information, amino acid conservation, physicochemical variation, residue mobility, and thermodynamic stability) has been performed for this missense variant. However, the output from this modeling did not meet the statistical confidence thresholds required to predict the impact of this variant on WFS1 protein function. Experimental studies have shown that this missense change affects WFS1 function (PMID: 31600780). For these reasons, this variant has been classified as Pathogenic.

Women's Health and Genetics/Laboratory Corporation of America, LabCorp
Classification: Pathogenic for Wolfram syndrome 1. Last evaluated: 2022-11-10. Review status: criteria provided, single submitter. Criteria: LabCorp Variant Classification Summary - May 2015. Collection method: clinical testing. Allele origin: germline.
Comment: Variant summary: WFS1 c.376G>A (p.Ala126Thr) results in a non-conservative amino acid change in the encoded protein sequence. Five of five in-silico tools predict a damaging effect of the variant on protein function. The variant allele was found at a frequency of 2.2e-05 in 229180 control chromosomes (gnomAD). c.376G>A has been reported in the literature in cis with a pathogenic variant in one individual affected with Wolfram Syndrome, however it has also been reported as a biallelic genotype in multiple affected individuals and has been found to cosegregate with Wolfram Syndrome in affected families (e.g. Gomez-Zaera_2001, Marshall_2013, Safapour Lima_2016, Riachi_2019). These data indicate that the variant is very likely to be associated with disease. At least one publication reports experimental evidence evaluating an impact of the variant on protein expression and found that protein levels in homozygous patient-derived fibroblasts were clearly reduced compared to normal controls (e.g. Riachi_2019). Three submitters have provided clinical-significance assessments for this variant to ClinVar after 2014. All laboratories classified the variant as either pathogenic (n=1) or likely pathogenic (n=2). Based on the evidence outlined above, the variant was classified as pathogenic.

Blueprint Genetics
Classification: Pathogenic for WFS1-related disorders. Last evaluated: 2022-11-07. Review status: criteria provided, single submitter. Criteria: ACMG Guidelines, 2015. Collection method: clinical testing. Allele origin: germline. Affected: yes. Observed: 1 variant allele.

Revvity Omics, Revvity
Classification: Pathogenic. Last evaluated: 2022-04-21. Review status: criteria provided, single submitter. Criteria: ACMG Guidelines, 2015. Collection method: clinical testing. Allele origin: germline.

GeneDx
Classification: Likely pathogenic. Last evaluated: 2021-02-23. Review status: criteria provided, single submitter. Criteria: GeneDx Variant Classification Process June 2021. Collection method: clinical testing. Allele origin: germline. Affected: yes.
Comment: Not observed at a significant frequency in large population cohorts (Lek et al., 2016); In silico analysis supports that this missense variant has a deleterious effect on protein structure/function; This variant is associated with the following publications: (PMID: 11317350, 30957632, 26773575, 31600780, 11161832)

Genetic Services Laboratory, University of Chicago
Classification: Likely pathogenic. Last evaluated: 2019-05-07. Review status: criteria provided, single submitter. Criteria: ACMG Guidelines, 2015. Collection method: clinical testing. Allele origin: germline. Affected: yes.
Comment: DNA sequence analysis of the WFS1 gene demonstrated a sequence change, c.376G>A, in exon 4 that results in an amino acid change, p.Ala126Thr. The p.Ala126Thr change affects a highly conserved amino acid residue located in a domain of the WFS1 protein that is not known to be functional. The p.Ala126Thr substitution appears to be deleterious using several in-silico pathogenicity prediction tools (SIFT, PolyPhen2, Align GVGD, REVEL).This particular amino acid change has been described in 5 affected family members with symptoms characteristic of Wolfram syndrome with the absence of hearing loss (Safarpour et al., 2016). This sequence change has been described in the gnomAD database with a low population frequency of 0.0022% (dbSNP rs145639028).

Institute of Human Genetics, Univ. Regensburg, Univ. Regensburg
Classification: Pathogenic for Optic atrophy. Last evaluated: 2017-01-01. Review status: criteria provided, single submitter. Criteria: ACMG Guidelines, 2015. Collection method: clinical testing. Allele origin: germline. Affected: yes.

Literature cited by the submitters: PubMed 23981289 (cited by Labcorp Genetics (formerly Invitae), Labcorp and Women's Health and Genetics/Laboratory Corporation of America, LabCorp); PubMed 26773575 (cited by 3 submitters); PubMed 30957632 (cited by Labcorp Genetics (formerly Invitae), Labcorp and Institute of Human Genetics, Univ. Regensburg, Univ. Regensburg); PubMed 31600780 (cited by 3 submitters); PubMed 11161832 (cited by Women's Health and Genetics/Laboratory Corporation of America, LabCorp); PubMed 11317350 (cited by Institute of Human Genetics, Univ. Regensburg, Univ. Regensburg); PubMed 33031055 (cited by Institute of Human Genetics, Univ. Regensburg, Univ. Regensburg); PubMed 36208030 (cited by Institute of Human Genetics, Univ. Regensburg, Univ. Regensburg).